The following is an entry in ClinVar:

ClinVar aggregate classification (germline): Likely benign. Review status: criteria provided, multiple submitters, no conflicts (2 of 4 stars). 2 submissions from 2 submitters: Likely benign (2). Last evaluated 2026-01-19.

Conditions:
Progressive sclerosing poliodystrophy (MTDPS4A). Also called: Alpers-Huttenlocher Syndrome (AHS); ALPERS PROGRESSIVE INFANTILE POLIODYSTROPHY; Mitochondrial DNA Depletion Syndrome 4A; Mitochondrial DNA depletion syndrome 4A (Alpers type); NEURONAL DEGENERATION OF CHILDHOOD WITH LIVER DISEASE, PROGRESSIVE; Alpers Syndrome. Identifiers: Orphanet 726, MedGen C0205710, MONDO:0008758, OMIM 203700.

Allele frequency attached by ClinVar (database versions not stated): gnomAD exomes below 0.00001; TOPMed below 0.00001.
gnomAD v4.1: 3 of 1,613,766 alleles (0.00019%); highest among the groups gnomAD compares: East Asian, 0.0067%; no homozygotes.

Submissions (2):

Labcorp Genetics (formerly Invitae), Labcorp
Classification: Likely benign for Progressive sclerosing poliodystrophy. Last evaluated: 2026-01-19. Review status: criteria provided, single submitter. Criteria: Invitae Variant Classification Sherloc (09022015). Collection method: clinical testing. Allele origin: germline.

GeneDx
Classification: Likely benign. Last evaluated: 2017-07-19. Review status: criteria provided, single submitter. Criteria: GeneDx Variant Classification (06012015). Collection method: clinical testing. Allele origin: germline. Affected: yes.
Comment: This variant is considered likely benign or benign based on one or more of the following criteria: it is a conservative change, it occurs at a poorly conserved position in the protein, it is predicted to be benign by multiple in silico algorithms, and/or has population frequency not consistent with disease.

NM_002693.3(POLG):c.2304G>A (p.Lys768=)

Gene: POLG (DNA polymerase gamma, catalytic subunit; minus strand). Cytogenetic location: 15q26.1.
Variant type: single nucleotide variant.
Coding change: c.2304G>A on transcript NM_002693.3 (MANE Select); coding-DNA position 2304, G replaced by A.
Protein change: p.Lys768=; no amino-acid change (lysine 768 retained).
Molecular consequence: synonymous variant.
Genome position (GRCh38, 1-based): chr15:89,322,864, C>T on the plus strand (G>A on the coding strand, the complement: POLG is on the minus strand). VCF-style: chr15-89322864-C-T. GRCh37 (hg19) VCF-style: chr15-89866095-C-T.
Other names: c.2304G>A, p.Lys768= (NM_001126131.2).
Identifiers: ClinVar variation 510841 (VCV000510841.2), dbSNP rs1555453001, ClinGen allele CA492075757.